The following is an entry in ClinVar:

ClinVar aggregate classification (germline): Uncertain significance (1 of 4 stars; one submission).

Submission:

Mayo Clinic Laboratories, Mayo Clinic
Classification: Uncertain significance. Last evaluated: 2024-07-19. Review status: criteria provided, single submitter. Criteria: ACMG Guidelines, 2015. Collection method: clinical testing. Allele origin: germline. Observed: 1 variant allele.
Comment: PP3, PM2

NM_001163809.2(WDR81):c.1583A>T (p.His528Leu)

Gene: WDR81 (WD repeat domain 81; plus strand). Cytogenetic location: 17p13.3.
Variant type: single nucleotide variant.
Coding change: c.1583A>T on transcript NM_001163809.2 (MANE Select); coding-DNA position 1583, A replaced by T.
Protein change: p.His528Leu; replaces histidine 528 with leucine.
Molecular consequence: missense variant. On other transcripts: intron variant (3).
Genome position (GRCh38, 1-based): chr17:1,726,542, A>T. VCF-style: chr17-1726542-A-T. GRCh37 (hg19) VCF-style: chr17-1629836-A-T.
Other names: p.His528Leu; c.-123-1448A>T (NM_152348.4); c.59-3838A>T (NM_001163673.2); c.-15+1756A>T (NM_001163811.2); short protein forms H528L.
Identifiers: ClinVar variation 3380451 (VCV003380451.1).